The following is an entry in ClinVar:

ClinVar aggregate classification (germline): Conflicting classifications of pathogenicity. Review status: criteria provided, conflicting classifications (1 of 4 stars). 4 submissions from 4 submitters: Uncertain significance (1); Likely benign (3). Last evaluated 2025-12-02.

Conditions:
Autosomal recessive limb-girdle muscular dystrophy type 2J (LGMDR10). Also called: Limb-girdle muscular dystrophy, type 2J; MUSCULAR DYSTROPHY, LIMB-GIRDLE, AUTOSOMAL RECESSIVE 10. Identifiers: Orphanet 140922, MedGen C1837342, MONDO:0012127, OMIM 608807.
Dilated cardiomyopathy 1G (CMD1G). Identifiers: Orphanet 154, MedGen C1858763, MONDO:0011400, OMIM 604145.
TTN-related disorder. Also called: TTN-related condition; TTN-related disease; TTN-related disorders.
Cardiovascular phenotype. Identifiers: MedGen CN230736.

Allele frequency attached by ClinVar (database versions not stated): gnomAD 0.00001; gnomAD exomes 0.00001 and 0.00002; ExAC 0.00002; TOPMed 0.00002.
gnomAD v4.1: 6 of 1,613,708 alleles (0.00037%); highest among the groups gnomAD compares: African/African-American, 0.0067%; no homozygotes.

Submissions (4):

PreventionGenetics, part of Exact Sciences
Classification: Likely benign for TTN-related condition. Last evaluated: 2025-12-02. Review status: criteria provided, single submitter. Criteria: ACMG Guidelines, 2015. Collection method: clinical testing. Allele origin: germline.
Comment: This variant is classified as likely benign based on ACMG/AMP sequence variant interpretation guidelines (Richards et al. 2015 PMID: 25741868, with internal and published modifications).

Labcorp Genetics (formerly Invitae), Labcorp
Classification: Likely benign for Dilated cardiomyopathy 1G; Autosomal recessive limb-girdle muscular dystrophy type 2J. Last evaluated: 2025-09-19. Review status: criteria provided, single submitter. Criteria: Invitae Variant Classification Sherloc (09022015). Collection method: clinical testing. Allele origin: germline.

Ambry Genetics
Classification: Likely benign for Cardiovascular phenotype. Last evaluated: 2020-03-17. Review status: criteria provided, single submitter. Criteria: Ambry Variant Classification Scheme 2023. Collection method: clinical testing. Allele origin: germline.

Eurofins Ntd Llc (ga)
Classification: Uncertain significance. Last evaluated: 2017-05-04. Review status: criteria provided, single submitter. Criteria: EGL Classification Definitions 2015. Collection method: clinical testing. Allele origin: germline. Observed: 1 variant allele, 1 heterozygote.

NM_001267550.2(TTN):c.13872C>T (p.His4624=)

Gene: TTN (titin; minus strand). Cytogenetic location: 2q31.2.
Variant type: single nucleotide variant.
Coding change: c.13872C>T on transcript NM_001267550.2 (MANE Select); coding-DNA position 13872, C replaced by T.
Protein change: p.His4624=; no amino-acid change (histidine 4624 retained).
Molecular consequence: synonymous variant. On other transcripts: intron variant (1).
Genome position (GRCh38, 1-based): chr2:178,739,361, G>A on the plus strand (C>T on the coding strand, the complement: TTN is on the minus strand). VCF-style: chr2-178739361-G-A. GRCh37 (hg19) VCF-style: chr2-179604088-G-A.
Other names: c.12921C>T, p.His4307= (NM_001256850.1); c.12783C>T, p.His4261= (NM_003319.4); c.13158C>T, p.His4386= (NM_133432.3); c.13359C>T, p.His4453= (NM_133437.4); c.10361-1001C>T (NM_133378.4).
Identifiers: ClinVar variation 501833 (VCV000501833.14), dbSNP rs765700138, ClinGen allele CA2002513.